The following is an entry in ClinVar:

NM_001378454.1(ALMS1):c.450+3A>G

Gene: ALMS1 (ALMS1 centrosome and basal body associated protein; plus strand). Cytogenetic location: 2p13.1.
Variant type: single nucleotide variant.
Coding change: c.450+3A>G on transcript NM_001378454.1 (MANE Select); 3 bases into the intron after coding-DNA position 450, A replaced by G.
Molecular consequence: intron variant.
Genome position (GRCh38, 1-based): chr2:73,408,750, A>G. VCF-style: chr2-73408750-A-G. GRCh37 (hg19) VCF-style: chr2-73635878-A-G.
Other names: c.450+3A>G (NM_015120.4); c.453+3A>G (NM_015120.4).
Identifiers: ClinVar variation 556924 (VCV000556924.4), dbSNP rs1371008925, ClinGen allele CA533677430.

ClinVar aggregate classification (germline): Uncertain significance. Review status: criteria provided, single submitter (1 of 4 stars). 2 submissions from 2 submitters: Uncertain significance (1). 1 of the submissions does not count toward it. Last evaluated 2022-04-15.

Conditions:
Alstrom syndrome (ALMS). Identifiers: Orphanet 64, MedGen C0268425, MONDO:0008763, OMIM 203800.

Allele frequency attached by ClinVar (database versions not stated): TOPMed below 0.00001; gnomAD exomes 0.00001.
gnomAD v4.1: 4 of 1,591,532 alleles (0.00025%); highest among the groups gnomAD compares: Admixed American, 0.0034%; no homozygotes.

Submissions (2):

Labcorp Genetics (formerly Invitae), Labcorp
Classification: Uncertain significance for Alstrom syndrome. Last evaluated: 2022-04-15. Review status: criteria provided, single submitter. Criteria: Invitae Variant Classification Sherloc (09022015). Collection method: clinical testing. Allele origin: germline.
Comment: This sequence change falls in intron 2 of the ALMS1 gene. It does not directly change the encoded amino acid sequence of the ALMS1 protein. It affects a nucleotide within the consensus splice site. This variant is present in population databases (no rsID available, gnomAD 0.006%). This variant has not been reported in the literature in individuals affected with ALMS1-related conditions. ClinVar contains an entry for this variant (Variation ID: 556924). Variants that disrupt the consensus splice site are a relatively common cause of aberrant splicing (PMID: 17576681, 9536098). Algorithms developed to predict the effect of sequence changes on RNA splicing suggest that this variant may disrupt the consensus splice site. In summary, the available evidence is currently insufficient to determine the role of this variant in disease. Therefore, it has been classified as a Variant of Uncertain Significance.

Counsyl
Classification: Uncertain significance for Alstrom syndrome. Last evaluated: 2018-02-27. Review status: no assertion criteria provided. Collection method: clinical testing. Allele origin: unknown. Not counted in ClinVar's aggregate classification.

Literature cited by the submitters: PubMed 17576681 (cited by Labcorp Genetics (formerly Invitae), Labcorp); PubMed 9536098 (cited by Labcorp Genetics (formerly Invitae), Labcorp).